The following is an entry in ClinVar:

NM_000807.4(GABRA2):c.1060-5621del

Gene: GABRA2 (gamma-aminobutyric acid type A receptor subunit alpha2; minus strand). Cytogenetic location: 4p12.
Variant type: Deletion.
Coding change: c.1060-5621del on transcript NM_000807.4 (MANE Select); 5621 bases into the intron before coding-DNA position 1060, one base deleted (G; older notation c.1060-5621delG).
Molecular consequence: intron variant. On other transcripts: nonsense (4).
Genome position (GRCh38, 1-based): chr4:46,256,225, C deleted on the plus strand (G on the coding strand, the reverse complement: GABRA2 is on the minus strand); the first of 2 consecutive C bases (chr4:46,256,225-46,256,226); deleting either gives the same sequence. VCF-style (leftmost placement, unchanged base first): chr4-46256224-TC-T. GRCh37 (hg19) VCF-style: chr4-46258241-TC-T.
Other names: c.1044del, p.Lys347_Trp348insTer (NM_001286827.3); c.1209del, p.Lys402_Trp403insTer (NM_001330690.2, NM_001377144.1, NM_001377145.1); c.895-5621del (NM_001377154.1, NM_001377152.1, NM_001377153.1); c.1060-5621del (NM_001377146.1, NM_001377150.1, NM_001377147.1 and 4 more transcripts).
Identifiers: ClinVar variation 3722210 (VCV003722210.2).

ClinVar aggregate classification (germline): Uncertain significance (1 of 4 stars; one submission).

Submission:

Labcorp Genetics (formerly Invitae), Labcorp
Classification: Uncertain significance. Last evaluated: 2024-10-03. Review status: criteria provided, single submitter. Criteria: Invitae Variant Classification Sherloc (09022015). Collection method: clinical testing. Allele origin: germline.
Comment: This sequence change creates a premature translational stop signal (p.Trp403*) in the GABRA2 gene. While this is not anticipated to result in nonsense mediated decay, it is expected to disrupt the last 109 amino acid(s) of the GABRA2 protein. This variant is not present in population databases (gnomAD no frequency). This variant has not been reported in the literature in individuals affected with GABRA2-related conditions. Algorithms developed to predict the effect of sequence changes on RNA splicing suggest that this variant may disrupt the consensus splice site. In summary, the available evidence is currently insufficient to determine the role of this variant in disease. Therefore, it has been classified as a Variant of Uncertain Significance.